The following is an entry in ClinVar:

ClinVar aggregate classification (germline): Uncertain significance (1 of 4 stars; one submission).

Conditions:
Neurofibromatosis, type 1 (NF1). Also called: Peripheral type neurofibromatosis; NEUROFIBROMATOSIS, TYPE I, SOMATIC; Neurofibromatosis, type I; VON RECKLINGHAUSEN DISEASE. Identifiers: Orphanet 636, MedGen C0027831, MONDO:0018975, OMIM 162200. Disease mechanism: loss of function.

Submission:

Labcorp Genetics (formerly Invitae), Labcorp
Classification: Uncertain significance for Neurofibromatosis, type 1. Last evaluated: 2024-10-02. Review status: criteria provided, single submitter. Criteria: Invitae Variant Classification Sherloc (09022015). Collection method: clinical testing. Allele origin: germline.
Comment: This sequence change replaces isoleucine, which is neutral and non-polar, with valine, which is neutral and non-polar, at codon 2030 of the NF1 protein (p.Ile2030Val). This variant is not present in population databases (gnomAD no frequency). This variant has not been reported in the literature in individuals affected with NF1-related conditions. ClinVar contains an entry for this variant (Variation ID: 2133894). Invitae Evidence Modeling of protein sequence and biophysical properties (such as structural, functional, and spatial information, amino acid conservation, physicochemical variation, residue mobility, and thermodynamic stability) indicates that this missense variant is expected to disrupt NF1 protein function with a positive predictive value of 80%. In summary, the available evidence is currently insufficient to determine the role of this variant in disease. Therefore, it has been classified as a Variant of Uncertain Significance.

NM_001042492.3(NF1):c.6151A>G (p.Ile2051Val)

Gene: NF1 (neurofibromin 1; plus strand). Cytogenetic location: 17q11.2.
Variant type: single nucleotide variant.
Coding change: c.6151A>G on transcript NM_001042492.3 (MANE Select); coding-DNA position 6151, A replaced by G.
Protein change: p.Ile2051Val; replaces isoleucine 2051 with valine.
Molecular consequence: missense variant.
Genome position (GRCh38, 1-based): chr17:31,336,638, A>G. VCF-style: chr17-31336638-A-G. GRCh37 (hg19) VCF-style: chr17-29663656-A-G.
Other names: c.6088A>G, p.Ile2030Val (NM_000267.4); short protein forms I2051V, I2030V.
Identifiers: ClinVar variation 2133894 (VCV002133894.4), dbSNP rs2151554281, ClinGen allele CA399011684.
Genomic context (GRCh38, chr17:31,336,638, plus strand): 5'-TAAAACTTTGAGTCCCATGTTTTTTTTTTTAAAAAAAAAAATCCTGCTTCTTTACAGGTT[A>G]TTGGAAGGATGTGCAAAATAATTGACAAGACATGCTTATCTCCAACTCCTACTTTAGAAC-3'
Protein context (NP_001035957.1, residues 2041-2061): GNVKLVSSKV[Ile2051Val]GRMCKIIDKT